The following is an entry in ClinVar:

ClinVar aggregate classification (germline): Likely benign. Review status: criteria provided, multiple submitters, no conflicts (2 of 4 stars). 2 submissions from 2 submitters: Likely benign (2). Last evaluated 2025-09-02.

Conditions:
SEMA4A-related disorder. Also called: SEMA4A-related condition.

Allele frequency attached by ClinVar (database versions not stated): TOPMed below 0.00001; ExAC 0.00001; gnomAD exomes 0.00001; gnomAD 0.00002.
gnomAD v4.1: 14 of 1,614,142 alleles (0.00087%); highest among the groups gnomAD compares: Non-Finnish European, 0.0011%; no homozygotes.

Submissions (2):

Labcorp Genetics (formerly Invitae), Labcorp
Classification: Likely benign. Last evaluated: 2025-09-02. Review status: criteria provided, single submitter. Criteria: Invitae Variant Classification Sherloc (09022015). Collection method: clinical testing. Allele origin: germline.

PreventionGenetics, part of Exact Sciences
Classification: Likely benign for SEMA4A-related condition. Last evaluated: 2024-11-17. Review status: criteria provided, single submitter. Criteria: ACMG Guidelines, 2015. Collection method: clinical testing. Allele origin: germline.
Comment: This variant is classified as likely benign based on ACMG/AMP sequence variant interpretation guidelines (Richards et al. 2015 PMID: 25741868, with internal and published modifications).

NM_022367.4(SEMA4A):c.1326G>A (p.Ser442=)

Gene: SEMA4A (semaphorin 4A; plus strand). Cytogenetic location: 1q22.
Variant type: single nucleotide variant.
Coding change: c.1326G>A on transcript NM_022367.4 (MANE Select); coding-DNA position 1326, G replaced by A.
Protein change: p.Ser442=; no amino-acid change (serine 442 retained).
Molecular consequence: synonymous variant.
Genome position (GRCh38, 1-based): chr1:156,174,832, G>A. VCF-style: chr1-156174832-G-A. GRCh37 (hg19) VCF-style: chr1-156144623-G-A.
Other names: c.1326G>A, p.Ser442= (NM_001193300.2, NM_001193301.2, NM_001370567.1); c.930G>A, p.Ser310= (NM_001193302.2); c.1029G>A, p.Ser343= (NM_001370568.1); c.819G>A, p.Ser273= (NM_001370569.1, NM_001370571.1); c.1326G>A (NM_022367.3).
Identifiers: ClinVar variation 1927159 (VCV001927159.6), dbSNP rs752579836, ClinGen allele CA1155341.
Genomic context (GRCh38, chr1:156,174,832, plus strand): 5'-GGATCTGTGGATGAGATGAGATGACTTCCACTCTCTCTGTCTCCCCATAGCCACAGGGTC[G>A]CTCCACAAGGCTGTGGTAAGTGGGGACAGCAGTGCTCATCTGGTGGAAGAGATTCAGCTG-3'
Protein context (NP_071762.2, residues 432-452): LVMYLGTTTG[Ser442=]LHKAVVSGDS